The following is an entry in ClinVar:

ClinVar aggregate classification (germline): Uncertain significance (1 of 4 stars; one submission).

Conditions:
Dyskeratosis congenita, autosomal dominant 2. Identifiers: MedGen C3151443, MONDO:0013521, OMIM 613989.
Idiopathic Pulmonary Fibrosis. Also called: Idiopathic fibrosing alveolitis, chronic form; idiopathic fibrosing alveolitis. Identifiers: Orphanet 2032, MedGen C1800706, MeSH D054990, MONDO:0800504.

Submission:

Labcorp Genetics (formerly Invitae), Labcorp
Classification: Uncertain significance for Dyskeratosis congenita, autosomal dominant 2; Idiopathic Pulmonary Fibrosis. Last evaluated: 2019-04-24. Review status: criteria provided, single submitter. Criteria: Invitae Variant Classification Sherloc (09022015). Collection method: clinical testing. Allele origin: germline.
Comment: This sequence change replaces arginine with tryptophan at codon 222 of the TERT protein (p.Arg222Trp). The arginine residue is weakly conserved and there is a moderate physicochemical difference between arginine and tryptophan. This variant is not present in population databases (ExAC no frequency). In summary, the available evidence is currently insufficient to determine the role of this variant in disease. Therefore, it has been classified as a Variant of Uncertain Significance. Algorithms developed to predict the effect of missense changes on protein structure and function are either unavailable or do not agree on the potential impact of this missense change (SIFT: "Deleterious"; PolyPhen-2: "Possibly Damaging"; Align-GVGD: "Class C0"). This variant has not been reported in the literature in individuals with TERT-related conditions.

NM_198253.3(TERT):c.664A>T (p.Arg222Trp)

Gene: TERT (telomerase reverse transcriptase; minus strand). Cytogenetic location: 5p15.33.
Variant type: single nucleotide variant.
Coding change: c.664A>T on transcript NM_198253.3 (MANE Select); coding-DNA position 664, A replaced by T.
Protein change: p.Arg222Trp; replaces arginine 222 with tryptophan.
Molecular consequence: missense variant. On other transcripts: non-coding transcript variant (2).
Genome position (GRCh38, 1-based): chr5:1,294,222, T>A on the plus strand (A>T on the coding strand, the complement: TERT is on the minus strand). VCF-style: chr5-1294222-T-A. GRCh37 (hg19) VCF-style: chr5-1294337-T-A.
Other names: c.664A>T, p.Arg222Trp (NM_001193376.3); short protein forms R222W.
Identifiers: ClinVar variation 946176 (VCV000946176.10), dbSNP rs1751220903, ClinGen allele CA359057075.